The following is an entry in ClinVar:

NM_005502.4(ABCA1):c.6335C>G (p.Thr2112Ser)

Genes: ABCA1 (ATP binding cassette subfamily A member 1; minus strand), NIPSNAP3B (nipsnap homolog 3B; plus strand). Cytogenetic location: 9q31.1.
Variant type: single nucleotide variant.
Coding change: c.6335C>G on transcript NM_005502.4 (MANE Select); coding-DNA position 6335, C replaced by G.
Protein change: p.Thr2112Ser; replaces threonine 2112 with serine.
Molecular consequence: missense variant.
Genome position (GRCh38, 1-based): chr9:104,786,364, G>C on the plus strand (C>G on the coding strand, the complement: ABCA1 is on the minus strand). VCF-style: chr9-104786364-G-C. GRCh37 (hg19) VCF-style: chr9-107548645-G-C.
Other names: p.Thr2112Ser; short protein forms T2112S.
Identifiers: ClinVar variation 4541459 (VCV004541459.1).

ClinVar aggregate classification (germline): Uncertain significance (1 of 4 stars; one submission).

Submission:

Mayo Clinic Laboratories, Mayo Clinic
Classification: Uncertain significance. Last evaluated: 2025-07-09. Review status: criteria provided, single submitter. Criteria: ACMG Guidelines, 2015. Collection method: clinical testing. Allele origin: germline. Observed: 1 variant allele.
Comment: PP3, PM2_supporting